The following is an entry in ClinVar:

ClinVar aggregate classification (germline): Uncertain significance (1 of 4 stars; one submission).

Conditions:
Familial encephalopathy with neuroserpin inclusion bodies. Also called: ENCEPHALOPATHY, FAMILIAL, WITH COLLINS BODIES. Identifiers: Orphanet 85110, MedGen C1858680, MONDO:0011412, OMIM 604218.

Allele frequency attached by ClinVar (database versions not stated): gnomAD exomes below 0.00001 and 0.00001; TOPMed 0.00001; ExAC 0.00002.
gnomAD v4.1: 2 of 1,613,334 alleles (0.00012%); highest among the groups gnomAD compares: East Asian, 0.0045%; no homozygotes.

Submission:

Labcorp Genetics (formerly Invitae), Labcorp
Classification: Uncertain significance for Familial encephalopathy with neuroserpin inclusion bodies. Last evaluated: 2022-02-05. Review status: criteria provided, single submitter. Criteria: Invitae Variant Classification Sherloc (09022015). Collection method: clinical testing. Allele origin: germline.
Comment: Advanced modeling of protein sequence and biophysical properties (such as structural, functional, and spatial information, amino acid conservation, physicochemical variation, residue mobility, and thermodynamic stability) performed at Invitae indicates that this missense variant is not expected to disrupt SERPINI1 protein function. In summary, the available evidence is currently insufficient to determine the role of this variant in disease. Therefore, it has been classified as a Variant of Uncertain Significance. Algorithms developed to predict the effect of sequence changes on RNA splicing suggest that this variant may create or strengthen a splice site. ClinVar contains an entry for this variant (Variation ID: 567188). This variant has not been reported in the literature in individuals affected with SERPINI1-related conditions. This variant is present in population databases (rs750646140, gnomAD 0.02%). This sequence change replaces histidine, which is basic and polar, with tyrosine, which is neutral and polar, at codon 396 of the SERPINI1 protein (p.His396Tyr).

NM_001122752.2(SERPINI1):c.1186C>T (p.His396Tyr)

Gene: SERPINI1 (serpin family I member 1; plus strand). Cytogenetic location: 3q26.1.
Variant type: single nucleotide variant.
Coding change: c.1186C>T on transcript NM_001122752.2 (MANE Select); coding-DNA position 1186, C replaced by T.
Protein change: p.His396Tyr; replaces histidine 396 with tyrosine.
Molecular consequence: missense variant.
Genome position (GRCh38, 1-based): chr3:167,825,276, C>T. VCF-style: chr3-167825276-C-T. GRCh37 (hg19) VCF-style: chr3-167543064-C-T.
Other names: c.1186C>T, p.His396Tyr (NM_005025.5); short protein forms H396Y.
Identifiers: ClinVar variation 567188 (VCV000567188.8), dbSNP rs750646140, ClinGen allele CA2695017.
Genomic context (GRCh38, chr3:167,825,276, plus strand): 5'-CCCTCTTTTGTTTACTTCTGAACCAATACAGGTACAATTCTATTCATGGGACGAGTCATG[C>T]ATCCTGAAACAATGAACACAAGTGGACATGATTTCGAAGAACTTTAAGTTACTTTATTTG-3'
Protein context (NP_001116224.1, residues 386-406): GTILFMGRVM[His396Tyr]PETMNTSGHD